The following is an entry in ClinVar:

NM_001364614.2(KDM1B):c.2143G>A (p.Gly715Arg)

Gene: KDM1B (lysine demethylase 1B; plus strand). Cytogenetic location: 6p22.3.
Variant type: single nucleotide variant.
Coding change: c.2143G>A on transcript NM_001364614.2 (MANE Select); coding-DNA position 2143, G replaced by A.
Protein change: p.Gly715Arg; replaces glycine 715 with arginine.
Molecular consequence: missense variant.
Genome position (GRCh38, 1-based): chr6:18,215,040, G>A. VCF-style: chr6-18215040-G-A. GRCh37 (hg19) VCF-style: chr6-18215271-G-A.
Other names: c.1747G>A, p.Gly583Arg (NM_001439123.1); c.1711G>A, p.Gly571Arg (NM_001439124.1); c.1708G>A, p.Gly570Arg (NM_001439125.1); c.1660G>A, p.Gly554Arg (NM_001439126.1); c.1657G>A, p.Gly553Arg (NM_001439127.1); c.1621G>A, p.Gly541Arg (NM_001439128.1); c.1618G>A, p.Gly540Arg (NM_001439129.1); c.2143G>A, p.Gly715Arg (NM_001439130.1); and 7 more; short protein forms G553R, G686R, G715R, G725R, G583R, G716R, G483R, G540R.
Identifiers: ClinVar variation 4091127 (VCV004091127.3).

ClinVar aggregate classification (germline): Uncertain significance. Review status: criteria provided, multiple submitters, no conflicts (2 of 4 stars). 2 submissions from 2 submitters: Uncertain significance (2). Last evaluated 2026-02-03.

Submissions (2):

Dasa
Classification: Uncertain significance. Last evaluated: 2026-02-03. Review status: criteria provided, single submitter. Criteria: DASA Assertion Criteria. Collection method: clinical testing. Allele origin: germline.
Comment: NM_001364614.2(KDM1B):c.2143G>A (p.Gly715Arg) is a missense variant that results in the substitution of glycine with arginine. This variant is rare in population databases. Computational prediction algorithms are consistent with a deleterious effect. The currently available literature and clinical evidence are not sufficient to establish a definitive association between this variant and the reported condition. Therefore, this variant is classified as a variant of uncertain significance.

Ambry Genetics
Classification: Uncertain significance. Last evaluated: 2025-08-26. Review status: criteria provided, single submitter. Criteria: Ambry Variant Classification Scheme 2023. Collection method: clinical testing. Allele origin: germline.